The following is an entry in ClinVar:

NM_015215.4(CAMTA1):c.1243A>C (p.Thr415Pro)

Gene: CAMTA1 (calmodulin binding transcription activator 1; plus strand). Cytogenetic location: 1p36.23.
Variant type: single nucleotide variant.
Coding change: c.1243A>C on transcript NM_015215.4 (MANE Select); coding-DNA position 1243, A replaced by C.
Protein change: p.Thr415Pro; replaces threonine 415 with proline.
Molecular consequence: missense variant.
Genome position (GRCh38, 1-based): chr1:7,663,790, A>C. VCF-style: chr1-7663790-A-C. GRCh37 (hg19) VCF-style: chr1-7723850-A-C.
Other names: c.1153A>C, p.Thr385Pro (NM_001349608.2, NM_001349612.2); c.1243A>C, p.Thr415Pro (NM_001349609.2, NM_001349610.2, NM_001410737.1); c.1171A>C, p.Thr391Pro (NM_001410738.1); short protein forms T385P, T391P, T415P.
Identifiers: ClinVar variation 4881631 (VCV004881631.2).

ClinVar aggregate classification (germline): Uncertain significance (1 of 4 stars; one submission).

Conditions:
Cerebellar dysfunction with variable cognitive and behavioral abnormalities (CECBA). Also called: Nonprogressive cerebellar atxia with intellectual disability. Identifiers: Orphanet 314647, MedGen C3553661, MONDO:0013886, OMIM 614756.

Submission:

Dasa
Classification: Uncertain significance for Cerebellar dysfunction with variable cognitive and behavioral abnormalities. Last evaluated: 2025-08-25. Review status: criteria provided, single submitter. Criteria: DASA Assertion Criteria. Collection method: clinical testing. Allele origin: germline.
Comment: NM_015215.4(CAMTA1):c.1243A>C (p.Thr415Pro) is a missense variant that results in the substitution of threonine with proline. This variant is absent from population databases. Computational prediction algorithms are consistent with a benign effect. The currently available literature and clinical evidence are not sufficient to establish a definitive association between this variant and the reported condition. Therefore, this variant is classified as a variant of uncertain significance.